The following is an entry in ClinVar:

ClinVar aggregate classification (germline): Pathogenic (1 of 4 stars; one submission).

Conditions:
Gnathodiaphyseal dysplasia (GDD). Also called: GNATHODIAPHYSEAL SCLEROSIS; OSTEOGENESIS IMPERFECTA WITH UNUSUAL SKELETAL LESIONS. Identifiers: Orphanet 53697, MedGen C1833736, MONDO:0008151, OMIM 166260.
Autosomal recessive limb-girdle muscular dystrophy type 2L (LGMDR12). Also called: Limb-girdle muscular dystrophy, type 2L; MUSCULAR DYSTROPHY, LIMB-GIRDLE, AUTOSOMAL RECESSIVE 12; Limb-Girdle Muscular Dystrophy R12 Anoctamin-5-Related (LGMD-R12). Identifiers: Orphanet 206549, MedGen C1969785, MONDO:0012652, OMIM 611307.

gnomAD v4.1: 1 of 1,611,944 alleles (0.000062%); highest among the groups gnomAD compares: African/African-American, 0.0013%; no homozygotes.

Submission:

Labcorp Genetics (formerly Invitae), Labcorp
Classification: Pathogenic for Autosomal recessive limb-girdle muscular dystrophy type 2L; Gnathodiaphyseal dysplasia. Last evaluated: 2024-09-18. Review status: criteria provided, single submitter. Criteria: Invitae Variant Classification Sherloc (09022015). Collection method: clinical testing. Allele origin: germline.
Comment: This sequence change creates a premature translational stop signal (p.Ser462*) in the ANO5 gene. It is expected to result in an absent or disrupted protein product. Loss-of-function variants in ANO5 are known to be pathogenic (PMID: 21186264, 23606453, 25891276, 30919934). This variant is present in population databases (rs768130963, gnomAD 0.007%). This variant has not been reported in the literature in individuals affected with ANO5-related conditions. For these reasons, this variant has been classified as Pathogenic.

Literature cited by the submitters: PubMed 21186264; PubMed 23606453; PubMed 25891276; PubMed 30919934.

NM_213599.3(ANO5):c.1385C>A (p.Ser462Ter)

Gene: ANO5 (anoctamin 5; plus strand). Cytogenetic location: 11p14.3.
Variant type: single nucleotide variant.
Coding change: c.1385C>A on transcript NM_213599.3 (MANE Select); coding-DNA position 1385, C replaced by A.
Protein change: p.Ser462Ter; replaces serine 462 with a stop codon.
Molecular consequence: nonsense.
Genome position (GRCh38, 1-based): chr11:22,257,732, C>A. VCF-style: chr11-22257732-C-A. GRCh37 (hg19) VCF-style: chr11-22279278-C-A.
Other names: c.1382C>A, p.Ser461Ter (NM_001142649.2); c.1343C>A, p.Ser448Ter (NM_001410963.1); c.1340C>A, p.Ser447Ter (NM_001410964.1); short protein forms S447*, S448*, S461*, S462*.
Identifiers: ClinVar variation 3748978 (VCV003748978.2).
Genomic context (GRCh38, chr11:22,257,732, plus strand): 5'-TATTACAGGAGATGGAACCTTACATGCCTCTATACACGCGTATTCCATGGTACTTTCTTT[C>A]AGGAGCCACAGTGACATTATGGGTGAGCATTTCTTTAAAAATTGCTATAATTTCTTCAAC-3'